The following is an entry in ClinVar:

NM_021005.4(NR2F2):c.967T>A (p.Ser323Thr)

Gene: NR2F2 (nuclear receptor subfamily 2 group F member 2; plus strand). Cytogenetic location: 15q26.2.
Variant type: single nucleotide variant.
Coding change: c.967T>A on transcript NM_021005.4 (MANE Select); coding-DNA position 967, T replaced by A.
Protein change: p.Ser323Thr; replaces serine 323 with threonine.
Molecular consequence: missense variant.
Genome position (GRCh38, 1-based): chr15:96,334,600, T>A. VCF-style: chr15-96334600-T-A. GRCh37 (hg19) VCF-style: chr15-96877829-T-A.
Other names: c.568T>A, p.Ser190Thr (NM_001145155.2); c.508T>A, p.Ser170Thr (NM_001145156.1, NM_001145157.2); short protein forms S170T, S190T, S323T.
Identifiers: ClinVar variation 4803912 (VCV004803912.1).
Genomic context (GRCh38, chr15:96,334,600, plus strand): 5'-AAGGCGCTGCACGTTGACTCAGCCGAGTACAGCTGCCTCAAGGCCATAGTCCTGTTCACC[T>A]CAGGTAGGAAGGAGCCCTGTCTTCTCGTGCCCACGGGCTCCTAGCCCAGAGCTGGGGCCC-3'
Protein context (NP_066285.1, residues 313-333): SCLKAIVLFT[Ser323Thr]DACGLSDVAH

ClinVar aggregate classification (germline): Uncertain significance (1 of 4 stars; one submission).

Conditions:
Congenital heart defects, multiple types, 4 (CHTD4). Identifiers: MedGen C4014310, MONDO:0014344, OMIM 615779.

Submission:

Labcorp Genetics (formerly Invitae), Labcorp
Classification: Uncertain significance for Congenital heart defects, multiple types, 4. Last evaluated: 2026-01-06. Review status: criteria provided, single submitter. Criteria: Invitae Variant Classification Sherloc (09022015). Collection method: clinical testing. Allele origin: germline.
Comment: This sequence change replaces serine, which is neutral and polar, with threonine, which is neutral and polar, at codon 323 of the NR2F2 protein (p.Ser323Thr). This variant is present in population databases (rs755650157, gnomAD 0.006%). This variant has not been reported in the literature in individuals affected with NR2F2-related conditions. Invitae Evidence Modeling of protein sequence and biophysical properties (such as structural, functional, and spatial information, amino acid conservation, physicochemical variation, residue mobility, and thermodynamic stability) indicates that this missense variant is not expected to disrupt NR2F2 protein function with a negative predictive value of 80%. In summary, the available evidence is currently insufficient to determine the role of this variant in disease. Therefore, it has been classified as a Variant of Uncertain Significance.